The following is an entry in ClinVar:

ClinVar aggregate classification (germline): Pathogenic. Review status: criteria provided, multiple submitters, no conflicts (2 of 4 stars). 4 submissions from 4 submitters: Pathogenic (2). 2 of the submissions do not count toward it. Last evaluated 2025-12-16.

Conditions:
Nephrotic syndrome. Identifiers: MedGen C0027726, MONDO:0005377, HP:0000100.
COG1 congenital disorder of glycosylation (CDG2G). Also called: CDG IIg; CDGII/COG1 CEREBROCOSTOMANDIBULAR-LIKE SYNDROME; CONGENITAL DISORDER OF GLYCOSYLATION, TYPE IIg. Identifiers: Orphanet 263508, MedGen C2931011, MONDO:0012637, OMIM 611209.

Allele frequency attached by ClinVar (database versions not stated): gnomAD exomes below 0.00001; TOPMed below 0.00001.
gnomAD v4.1: 1 of 1,609,822 alleles (0.000062%); highest among the groups gnomAD compares: Non-Finnish European, 0.000085%; no homozygotes.

Submissions (4):

3billion
Classification: Pathogenic for COG1 congenital disorder of glycosylation. Last evaluated: 2025-12-16. Review status: criteria provided, single submitter. Criteria: ACMG Guidelines, 2015. Collection method: clinical testing. Allele origin: germline. Affected: yes.
Comment: The variant is observed at an extremely low frequency in the gnomAD v4.1.0 dataset (total allele frequency: <0.001%). Predicted Consequence/Location: Intron variant: previously reported to alter splicing from an in vitro assay and reduce expression level of the gene (PMID: 19008299). In silico tools predict the variant to alter splicing and produce an abnormal transcript [SpliceAI: 0.84 (spliceogenicity >=0.2, non-spliceogenicity <0.1)]. Intron variant: previously reported to alter splicing from an in vitro assay and reduce expression level of the gene (PMID: 19008299). Therefore, this variant is classified as Pathogenic according to the recommendation of ACMG/AMP guideline.

Institute for Medical Genetics and Human Genetics, Charité - Universitätsmedizin Berlin
Classification: Pathogenic for COG1 congenital disorder of glycosylation. Last evaluated: 2022-09-22. Review status: criteria provided, single submitter. Criteria: ACMG Guidelines, 2015. Collection method: clinical testing. Allele origin: germline. Inheritance: Autosomal recessive inheritance. Affected: yes. Observed: 2 homozygotes. Clinical features observed: Renal hypoplasia (HP:0000089), Nephrotic syndrome (HP:0000100), Bifid uvula (HP:0000193), Microcephaly (HP:0000252), Global developmental delay (HP:0001263), Severe failure to thrive (HP:0001525), Thrombocytopenia (HP:0001873).

Yale Center for Mendelian Genomics, Yale University
Classification: Uncertain significance for Nephrotic syndrome. Last evaluated: 2017-11-10. Review status: no assertion criteria provided. Collection method: literature only. Allele origin: germline. Affected: yes. Observed: 1 homozygote. Study: Yale Center for Mendelian Genomics. Not counted in ClinVar's aggregate classification.

OMIM
Classification: Pathogenic for CONGENITAL DISORDER OF GLYCOSYLATION, TYPE IIg. Last evaluated: 2009-02-01. Review status: no assertion criteria provided. Collection method: literature only. Allele origin: germline. Not counted in ClinVar's aggregate classification.

Literature cited by the submitters: PubMed 19008299 (cited by 3billion and OMIM); PubMed 29127259 (cited by 3billion and Yale Center for Mendelian Genomics, Yale University).

NM_018714.3(COG1):c.1070+5G>A

Genes: COG1 (component of oligomeric golgi complex 1; plus strand), LOC126862634 (CDK7 strongly-dependent group 2 enhancer GRCh37_chr17:71195948-71197147; plus strand). Cytogenetic location: 17q25.1.
Variant type: single nucleotide variant.
Coding change: c.1070+5G>A on transcript NM_018714.3 (MANE Select); 5 bases into the intron after coding-DNA position 1070, G replaced by A.
Molecular consequence: intron variant.
Genome position (GRCh38, 1-based): chr17:73,200,026, G>A. VCF-style: chr17-73200026-G-A. GRCh37 (hg19) VCF-style: chr17-71196165-G-A.
Other names: IVS6DS, G-A, +5.
Identifiers: ClinVar variation 3655 (VCV000003655.5), dbSNP rs1568296260, ClinGen allele CA913190523.